The following is an entry in ClinVar:

NM_001378454.1(ALMS1):c.10316A>G (p.His3439Arg)

Gene: ALMS1 (ALMS1 centrosome and basal body associated protein; plus strand). Cytogenetic location: 2p13.1.
Variant type: single nucleotide variant.
Coding change: c.10316A>G on transcript NM_001378454.1 (MANE Select); coding-DNA position 10316, A replaced by G.
Protein change: p.His3439Arg; replaces histidine 3439 with arginine.
Molecular consequence: missense variant.
Genome position (GRCh38, 1-based): chr2:73,559,074, A>G. VCF-style: chr2-73559074-A-G. GRCh37 (hg19) VCF-style: chr2-73786201-A-G.
Other names: c.10319A>G, p.His3440Arg (NM_015120.4); short protein forms H3440R, H3439R.
Identifiers: ClinVar variation 550978 (VCV000550978.6), dbSNP rs139425340, ClinGen allele CA1714962.
Genomic context (GRCh38, chr2:73,559,074, plus strand): 5'-GAGACCCAGAAATGAAGAACTTGCCAGACACTAAAGCCATTACACAGAAAGAGGAGATCC[A>G]TAGGAAGAAGACAGTTCCCGAGGAAGCCTGGCCAAACAATAAAGAATCCCTACAGATCAA-3'
Protein context (NP_001365383.1, residues 3429-3449): TKAITQKEEI[His3439Arg]RKKTVPEEAW

ClinVar aggregate classification (germline): Conflicting classifications of pathogenicity. Review status: criteria provided, conflicting classifications (1 of 4 stars). 4 submissions from 4 submitters: Uncertain significance (2); Likely benign (1). 1 of the submissions does not count toward it. Last evaluated 2024-12-18.

Conditions:
Cardiovascular phenotype. Identifiers: MedGen CN230736.
Alstrom syndrome (ALMS). Identifiers: Orphanet 64, MedGen C0268425, MONDO:0008763, OMIM 203800.

Allele frequency attached by ClinVar (database versions not stated): gnomAD exomes below 0.00001 and 0.00001; ExAC 0.00001; gnomAD 0.00001; 1000 Genomes Project 30x 0.00016; 1000 Genomes Project 0.00020.
gnomAD v4.1: 17 of 1,614,088 alleles (0.0011%); highest among the groups gnomAD compares: East Asian, 0.0022%; no homozygotes.

Submissions (4):

Ambry Genetics
Classification: Likely benign for Cardiovascular phenotype. Last evaluated: 2024-12-18. Review status: criteria provided, single submitter. Criteria: Ambry Variant Classification Scheme 2023. Collection method: clinical testing. Allele origin: germline.

Fulgent Genetics
Classification: Uncertain significance for Alstrom syndrome. Last evaluated: 2022-05-03. Review status: criteria provided, single submitter. Criteria: ACMG Guidelines, 2015. Collection method: clinical testing. Allele origin: unknown.

Labcorp Genetics (formerly Invitae), Labcorp
Classification: Uncertain significance for Alstrom syndrome. Last evaluated: 2022-01-21. Review status: criteria provided, single submitter. Criteria: Invitae Variant Classification Sherloc (09022015). Collection method: clinical testing. Allele origin: germline.
Comment: This sequence change replaces histidine, which is basic and polar, with arginine, which is basic and polar, at codon 3440 of the ALMS1 protein (p.His3440Arg). This variant is present in population databases (rs139425340, gnomAD 0.006%). This variant has not been reported in the literature in individuals affected with ALMS1-related conditions. ClinVar contains an entry for this variant (Variation ID: 550978). Experimental studies and prediction algorithms are not available or were not evaluated, and the functional significance of this variant is currently unknown. In summary, the available evidence is currently insufficient to determine the role of this variant in disease. Therefore, it has been classified as a Variant of Uncertain Significance.

Counsyl
Classification: Uncertain significance for Alstrom syndrome. Last evaluated: 2017-03-07. Review status: no assertion criteria provided. Collection method: clinical testing. Allele origin: unknown. Not counted in ClinVar's aggregate classification.